The following is an entry in ClinVar:

ClinVar aggregate classification (germline): Uncertain significance (1 of 4 stars; one submission).

Conditions:
Inborn genetic diseases. Identifiers: MedGen C0950123, MeSH D030342.

gnomAD v4.1: 6 of 1,614,120 alleles (0.00037%); highest among the groups gnomAD compares: Non-Finnish European, 0.00051%; no homozygotes.

Submission:

Ambry Genetics
Classification: Uncertain significance for Inborn genetic diseases. Last evaluated: 2026-05-21. Review status: criteria provided, single submitter. Criteria: Ambry Variant Classification Scheme 2023. Collection method: clinical testing. Allele origin: germline.
Comment: The p.E489Q variant (also known as c.1465G>C), located in coding exon 11 of the FANCG gene, results from a G to C substitution at nucleotide position 1465. The glutamic acid at codon 489 is replaced by glutamine, an amino acid with highly similar properties. This amino acid position is conserved. In addition, this alteration is predicted to be tolerated by in silico analysis. Based on the available evidence, the clinical significance of this variant remains unclear.

NM_004629.2(FANCG):c.1465G>C (p.Glu489Gln)

Gene: FANCG (FA complementation group G; minus strand). Cytogenetic location: 9p13.3.
Variant type: single nucleotide variant.
Coding change: c.1465G>C on transcript NM_004629.2 (MANE Select); coding-DNA position 1465, G replaced by C.
Protein change: p.Glu489Gln; replaces glutamic acid 489 with glutamine.
Molecular consequence: missense variant.
Genome position (GRCh38, 1-based): chr9:35,075,294, C>G on the plus strand (G>C on the coding strand, the complement: FANCG is on the minus strand). VCF-style: chr9-35075294-C-G. GRCh37 (hg19) VCF-style: chr9-35075291-C-G.
Other names: short protein forms E489Q.
Identifiers: ClinVar variation 4871007 (VCV004871007.1).